The following is an entry in ClinVar:

NM_005219.5(DIAPH1):c.2369A>T (p.Glu790Val)

Gene: DIAPH1 (diaphanous related formin 1; minus strand). Cytogenetic location: 5q31.3.
Variant type: single nucleotide variant.
Coding change: c.2369A>T on transcript NM_005219.5 (MANE Select); coding-DNA position 2369, A replaced by T.
Protein change: p.Glu790Val; replaces glutamic acid 790 with valine.
Molecular consequence: missense variant.
Genome position (GRCh38, 1-based): chr5:141,572,030, T>A on the plus strand (A>T on the coding strand, the complement: DIAPH1 is on the minus strand). VCF-style: chr5-141572030-T-A. GRCh37 (hg19) VCF-style: chr5-140951597-T-A.
Other names: c.2342A>T, p.Glu781Val (NM_001079812.3); c.2369A>T, p.Glu790Val (NM_001314007.2); short protein forms E781V, E790V.
Identifiers: ClinVar variation 1346316 (VCV001346316.6), dbSNP rs375471795, ClinGen allele CA3479088.

ClinVar aggregate classification (germline): Uncertain significance (1 of 4 stars; one submission).

Conditions:
Progressive microcephaly-seizures-cortical blindness-developmental delay syndrome. Also called: Seizures, cortical blindness, and microcephaly syndrome. Identifiers: Orphanet 477814, MedGen C5567650, MONDO:0014714, OMIM 616632.
Autosomal dominant nonsyndromic hearing loss 1. Also called: DEAFNESS, AUTOSOMAL DOMINANT 1, WITH OR WITHOUT THROMBOCYTOPENIA; KONIGSMARK SYNDROME. Identifiers: Orphanet 90635, MedGen C1852282, MONDO:0007424, OMIM 124900.

Allele frequency attached by ClinVar (database versions not stated): gnomAD exomes below 0.00001; ExAC 0.00001; ESP Exome Variant Server 0.00008.

Submission:

Labcorp Genetics (formerly Invitae), Labcorp
Classification: Uncertain significance for Progressive microcephaly-seizures-cortical blindness-developmental delay syndrome; Autosomal dominant nonsyndromic hearing loss 1. Last evaluated: 2023-12-03. Review status: criteria provided, single submitter. Criteria: Invitae Variant Classification Sherloc (09022015). Collection method: clinical testing. Allele origin: germline.
Comment: This sequence change replaces glutamic acid, which is acidic and polar, with valine, which is neutral and non-polar, at codon 790 of the DIAPH1 protein (p.Glu790Val). This variant is present in population databases (rs375471795, gnomAD 0.0009%). This variant has not been reported in the literature in individuals affected with DIAPH1-related conditions. ClinVar contains an entry for this variant (Variation ID: 1346316). An algorithm developed to predict the effect of missense changes on protein structure and function (PolyPhen-2) suggests that this variant is likely to be tolerated. In summary, the available evidence is currently insufficient to determine the role of this variant in disease. Therefore, it has been classified as a Variant of Uncertain Significance.